The following is an entry in ClinVar:

NM_000492.4(CFTR):c.2410G>A (p.Glu804Lys)

Gene: CFTR (CF transmembrane conductance regulator; plus strand). Cytogenetic location: 7q31.2.
Variant type: single nucleotide variant.
Coding change: c.2410G>A on transcript NM_000492.4 (MANE Select); coding-DNA position 2410, G replaced by A.
Protein change: p.Glu804Lys; replaces glutamic acid 804 with lysine.
Molecular consequence: missense variant.
Genome position (GRCh38, 1-based): chr7:117,592,577, G>A. VCF-style: chr7-117592577-G-A. GRCh37 (hg19) VCF-style: chr7-117232631-G-A.
Other names: short protein forms E804K.
Identifiers: ClinVar variation 929225 (VCV000929225.5), dbSNP rs1792049376, ClinGen allele CA368981169.

ClinVar aggregate classification (germline): Uncertain significance. Review status: criteria provided, multiple submitters, no conflicts (2 of 4 stars). 3 submissions from 3 submitters: Uncertain significance (2). 1 of the submissions does not count toward it. Last evaluated 2022-04-19.

Conditions:
Cystic fibrosis (CF). Also called: MUCOVISCIDOSIS. Identifiers: Orphanet 586, MedGen C0010674, MONDO:0009061, OMIM 219700. Disease mechanism: loss of function.
CFTR-related disorder (CFTR-RD). Also called: CFTR-related disorders; CFTR-related condition. Identifiers: MedGen C5924204, MONDO:7770004.

Allele frequency attached by ClinVar (database versions not stated): gnomAD exomes below 0.00001; gnomAD 0.00001.
gnomAD v4.1: 3 of 1,527,822 alleles (0.0002%); highest among the groups gnomAD compares: Non-Finnish European, 0.00026%; no homozygotes.

Submissions (3):

Ambry Genetics
Classification: Uncertain significance for Cystic fibrosis. Last evaluated: 2022-04-19. Review status: criteria provided, single submitter. Criteria: Ambry Variant Classification Scheme 2023. Collection method: clinical testing. Allele origin: germline.
Comment: The p.E804K variant (also known as c.2410G>A), located in coding exon 14 of the CFTR gene, results from a G to A substitution at nucleotide position 2410. The glutamic acid at codon 804 is replaced by lysine, an amino acid with similar properties. This amino acid position is conserved. In addition, this alteration is predicted to be deleterious by in silico analysis. Since supporting evidence is limited at this time, the clinical significance of this alteration remains unclear.

Women's Health and Genetics/Laboratory Corporation of America, LabCorp
Classification: Uncertain significance. Last evaluated: 2019-10-03. Review status: criteria provided, single submitter. Criteria: LabCorp Variant Classification Summary - May 2015. Collection method: clinical testing. Allele origin: germline.
Comment: Variant summary: CFTR c.2410G>A (p.Glu804Lys) results in a conservative amino acid change located in the CFTR regulator domain of the encoded protein sequence. Three of five in-silico tools predict a damaging effect of the variant on protein function. The variant was absent in 180196 control chromosomes. The available data on variant occurrences in the general population are insufficient to allow any conclusion about variant significance. To our knowledge, no occurrence of c.2410G>A in individuals affected with Chronic Pancreatitis Risk or Cystic Fibrosis and no experimental evidence demonstrating its impact on protein function have been reported. No clinical diagnostic laboratories have submitted clinical-significance assessments for this variant to ClinVar after 2014. Based on the evidence outlined above, the variant was classified as uncertain significance.

Natera, Inc.
Classification: Uncertain significance for CFTR-related disorders. Last evaluated: 2018-06-25. Review status: no assertion criteria provided. Collection method: clinical testing. Allele origin: germline. Not counted in ClinVar's aggregate classification.